The following is an entry in ClinVar:

NM_000069.3(CACNA1S):c.3111C>A (p.Asn1037Lys)

Gene: CACNA1S (calcium voltage-gated channel subunit alpha1 S; minus strand). Cytogenetic location: 1q32.1.
Variant type: single nucleotide variant.
Coding change: c.3111C>A on transcript NM_000069.3 (MANE Select); coding-DNA position 3111, C replaced by A.
Protein change: p.Asn1037Lys; replaces asparagine 1037 with lysine.
Molecular consequence: missense variant.
Genome position (GRCh38, 1-based): chr1:201,061,411, G>T on the plus strand (C>A on the coding strand, the complement: CACNA1S is on the minus strand). VCF-style: chr1-201061411-G-T. GRCh37 (hg19) VCF-style: chr1-201030539-G-T.
Other names: short protein forms N1037K.
Identifiers: ClinVar variation 473983 (VCV000473983.9), dbSNP rs143836984, ClinGen allele CA079551.

ClinVar aggregate classification (germline): Uncertain significance (1 of 4 stars; one submission).

Conditions:
Malignant hyperthermia, susceptibility to, 5 (MHS5). Also called: CACNA1S-Related Malignant Hyperthermia Susceptibility. Identifiers: Orphanet 423, MedGen C1866077, MONDO:0011163, OMIM 601887.
Hypokalemic periodic paralysis, type 1. Also called: HypoPP; Hypokalemic Periodic Paralysis Type 1 (AD). Identifiers: Orphanet 681, MedGen C3714580, MONDO:0042979, OMIM 170400.

Allele frequency attached by ClinVar (database versions not stated): gnomAD exomes below 0.00001; ExAC 0.00001; gnomAD 0.00001; TOPMed 0.00001; ESP Exome Variant Server 0.00008.
gnomAD v4.1: 1 of 1,614,056 alleles (0.000062%); highest among the groups gnomAD compares: Non-Finnish European, 0.000085%; no homozygotes.

Submission:

Labcorp Genetics (formerly Invitae), Labcorp
Classification: Uncertain significance for Hypokalemic periodic paralysis, type 1; Malignant hyperthermia, susceptibility to, 5. Last evaluated: 2016-11-18. Review status: criteria provided, single submitter. Criteria: Invitae Variant Classification Sherloc (09022015). Collection method: clinical testing. Allele origin: germline.
Comment: This variant is present in population databases (rs143836984, ExAC 0.001%) but has not been reported in the literature in individuals with a CACNA1S-related disease. This sequence change replaces asparagine with lysine at codon 1037 of the CACNA1S protein (p.Asn1037Lys). The asparagine residue is moderately conserved and there is a moderate physicochemical difference between asparagine and lysine. Algorithms developed to predict the effect of missense changes on protein structure and function (SIFT, PolyPhen-2, Align-GVGD) all suggest that this variant is likely to be tolerated, but these predictions have not been confirmed by published functional studies. In summary, this variant is a rare missense change that is not predicted to affect protein function. There is no indication that it causes disease, but the available evidence is currently insufficient to prove that conclusively. Therefore, it has been classified as a Variant of Uncertain Significance.